The following is an entry in ClinVar:

ClinVar aggregate classification (germline): Uncertain significance (1 of 4 stars; one submission).

Submission:

Labcorp Genetics (formerly Invitae), Labcorp
Classification: Uncertain significance. Last evaluated: 2022-04-06. Review status: criteria provided, single submitter. Criteria: Invitae Variant Classification Sherloc (09022015). Collection method: clinical testing. Allele origin: germline.
Comment: This variant has not been reported in the literature in individuals affected with KIF22-related conditions. This sequence change creates a premature translational stop signal (p.Tyr271Profs*3) in the KIF22 gene. It is expected to result in an absent or disrupted protein product. However, the current clinical and genetic evidence is not sufficient to establish whether loss-of-function variants in KIF22 cause disease. This variant is present in population databases (no rsID available, gnomAD 0.0009%). Experimental studies and prediction algorithms are not available or were not evaluated, and the functional significance of this variant is currently unknown. In summary, the available evidence is currently insufficient to determine the role of this variant in disease. Therefore, it has been classified as a Variant of Uncertain Significance.

NM_007317.3(KIF22):c.810_811del (p.Tyr271fs)

Gene: KIF22 (kinesin family member 22; plus strand). Cytogenetic location: 16p11.2.
Variant type: Microsatellite.
Coding change: c.810_811del on transcript NM_007317.3 (MANE Select); coding-DNA positions 810 to 811, 2 bases deleted (CT; older notation c.810_811delCT).
Protein change: p.Tyr271fs; shifts the reading frame from tyrosine 271.
Molecular consequence: frameshift variant.
Genome position (GRCh38, 1-based): chr16:29,799,314-29,799,315, CT deleted; deleting any 2 consecutive bases within chr16:29,799,312-29,799,315 gives the same sequence; the c. name uses the placement nearest the transcript's 3' end. VCF-style (leftmost placement, unchanged base first): chr16-29799311-ACT-A. GRCh37 (hg19) VCF-style: chr16-29810632-ACT-A.
Other names: c.606_607del, p.Tyr203fs (NM_001256269.2, NM_001256270.1); short protein forms Y271fs, Y203fs.
Identifiers: ClinVar variation 1916686 (VCV001916686.5), dbSNP rs1386842566, ClinGen allele CA622164357.